The following is an entry in ClinVar:

ClinVar aggregate classification (germline): Uncertain significance (1 of 4 stars; one submission).

gnomAD v4.1: 1 of 1,211,397 alleles (0.000083%); no homozygotes.

Submission:

Women's Health and Genetics/Laboratory Corporation of America, LabCorp
Classification: Uncertain significance. Last evaluated: 2025-12-10. Review status: criteria provided, single submitter. Criteria: LabCorp Variant Classification Summary - May 2015. Collection method: clinical testing. Allele origin: germline.
Comment: Variant summary: NHS c.910C>T (p.Pro304Ser) results in a non-conservative amino acid change in the encoded protein sequence. Algorithms developed to predict the effect of missense changes on protein structure and function are either unavailable or do not agree on the potential impact of this missense change. The variant was absent in 183440 control chromosomes (gnomAD). The available data on variant occurrences in the general population are insufficient to allow any conclusion about variant significance. To our knowledge, no occurrence of c.910C>T in individuals affected with NHS-related conditions and no experimental evidence demonstrating its impact on protein function have been reported. No submitters have cited clinical-significance assessments for this variant to ClinVar. Based on the evidence outlined above, the variant was classified as uncertain significance.

NM_001291867.2(NHS):c.973C>T (p.Pro325Ser)

Gene: NHS (NHS actin remodeling regulator; plus strand). Cytogenetic location: Xp22.13.
Variant type: single nucleotide variant.
Coding change: c.973C>T on transcript NM_001291867.2 (MANE Select); coding-DNA position 973, C replaced by T.
Protein change: p.Pro325Ser; replaces proline 325 with serine.
Molecular consequence: missense variant.
Genome position (GRCh38, 1-based): chrX:17,721,498, C>T. VCF-style: chrX-17721498-C-T. GRCh37 (hg19) VCF-style: chrX-17739618-C-T.
Other names: c.442C>T, p.Pro148Ser (NM_001136024.4); c.379C>T, p.Pro127Ser (NM_001291868.2); c.634C>T, p.Pro212Ser (NM_001440780.1); c.910C>T, p.Pro304Ser (NM_198270.4); short protein forms P127S, P148S, P212S, P304S, P325S.
Identifiers: ClinVar variation 4688414 (VCV004688414.1).